The following is an entry in ClinVar:

ClinVar aggregate classification (germline): Uncertain significance (1 of 4 stars; one submission).

Conditions:
EFEMP1-related disorder. Also called: EFEMP1-related condition.

gnomAD v4.1: 6 of 1,613,912 alleles (0.00037%); highest among the groups gnomAD compares: African/African-American, 0.008%; no homozygotes.

Submission:

PreventionGenetics, part of Exact Sciences
Classification: Uncertain significance for EFEMP1-related condition. Last evaluated: 2025-10-13. Review status: criteria provided, single submitter. Criteria: ACMG Guidelines, 2015. Collection method: clinical testing. Allele origin: germline.
Comment: The EFEMP1 c.1348G>A variant is predicted to result in the amino acid substitution p.Val450Met. To our knowledge, this variant has not been reported in the literature. This variant is present in 0.0080% of alleles in individuals of African descent in gnomAD. At this time, the clinical significance of this variant is uncertain due to the absence of conclusive functional and genetic evidence.

NM_001039348.3(EFEMP1):c.1348G>A (p.Val450Met)

Gene: EFEMP1 (EGF-like fibulin extracellular matrix protein 1; minus strand). Cytogenetic location: 2p16.1.
Variant type: single nucleotide variant.
Coding change: c.1348G>A on transcript NM_001039348.3 (MANE Select); coding-DNA position 1348, G replaced by A.
Protein change: p.Val450Met; replaces valine 450 with methionine.
Molecular consequence: missense variant.
Genome position (GRCh38, 1-based): chr2:55,867,207, C>T on the plus strand (G>A on the coding strand, the complement: EFEMP1 is on the minus strand). VCF-style: chr2-55867207-C-T. GRCh37 (hg19) VCF-style: chr2-56094342-C-T.
Other names: c.1348G>A, p.Val450Met (NM_001039349.3); short protein forms V450M.
Identifiers: ClinVar variation 4987053 (VCV004987053.1).